The following is an entry in ClinVar:

ClinVar aggregate classification (germline): Uncertain significance (1 of 4 stars; one submission).

Conditions:
Hereditary cancer-predisposing syndrome. Also called: Neoplastic Syndromes, Hereditary; Tumor predisposition; Hereditary neoplastic syndrome; Hereditary Cancer Syndrome. Identifiers: Orphanet 140162, MedGen C0027672, MeSH D009386, MONDO:0015356.

gnomAD v4.1: 1 of 1,614,028 alleles (0.000062%); highest among the groups gnomAD compares: Non-Finnish European, 0.000085%; no homozygotes.

Submission:

Ambry Genetics
Classification: Uncertain significance for Hereditary cancer-predisposing syndrome. Last evaluated: 2025-04-11. Review status: criteria provided, single submitter. Criteria: Ambry Variant Classification Scheme 2023. Collection method: clinical testing. Allele origin: germline.
Comment: The p.Y221H variant (also known as c.661T>C), located in coding exon 4 of the KIT gene, results from a T to C substitution at nucleotide position 661. The tyrosine at codon 221 is replaced by histidine, an amino acid with similar properties. This amino acid position is conserved. In addition, this alteration is predicted to be tolerated by in silico analysis. Based on the available evidence, the clinical significance of this variant remains unclear.

NM_000222.3(KIT):c.661T>C (p.Tyr221His)

Gene: KIT (KIT proto-oncogene, receptor tyrosine kinase; plus strand). Cytogenetic location: 4q12.
Variant type: single nucleotide variant.
Coding change: c.661T>C on transcript NM_000222.3 (MANE Select); coding-DNA position 661, T replaced by C.
Protein change: p.Tyr221His; replaces tyrosine 221 with histidine.
Molecular consequence: missense variant.
Genome position (GRCh38, 1-based): chr4:54,699,671, T>C. VCF-style: chr4-54699671-T-C. GRCh37 (hg19) VCF-style: chr4-55565837-T-C.
Other names: c.661T>C, p.Tyr221His (NM_001093772.2, NM_001385284.1, NM_001385285.1 and 4 more transcripts); short protein forms Y221H.
Identifiers: ClinVar variation 4043736 (VCV004043736.1).